The following is an entry in ClinVar:

ClinVar aggregate classification (germline): Pathogenic (1 of 4 stars; one submission).

Conditions:
Neuromuscular disease caused by qualitative or quantitative defects of dystrophin. Also called: Qualitative or quantitative defects of dystrophin. Identifiers: Orphanet 207085, MedGen C5679787, MONDO:0016147.

Submission:

Women's Health and Genetics/Laboratory Corporation of America, LabCorp
Classification: Pathogenic for Neuromuscular disease caused by qualitative or quantitative defects of dystrophin. Last evaluated: 2022-10-31. Review status: criteria provided, single submitter. Criteria: LabCorp Variant Classification Summary - May 2015. Collection method: clinical testing. Allele origin: germline.
Comment: Variant summary: The variant identified by MLPA or other technology involves the deletion of exons 49-51 in the DMD gene. A presumed nomenclature of c.(7098+1_7099-1)_(7542+1_7543-1)del has been designated for the purposes of this classification. Although exact breakpoints of this deletion are not known, it is expected to result in a large in-frame deletion change in the DMD gene. The variant was absent in 16120 control chromosomes (gnomAD, Structural variants). Deletion of DMD exons 49-51 has been reported in individuals affected with Dystrophinopathies, including X-linked dilated cardiomyopathy (XLDC; e.g. Muntoni_1997, Kaspar_2009), Duchenne Muscular Dystrophy (DMD; e.g. Mital_1998), and Becker Muscular Dystrophy (BMD; e.g. UMD-France Database). These data indicate that the variant is likely to be associated with disease. One clinical diagnostic laboratory has submitted clinical-significance assessments for this variant to ClinVar after 2014 and classified the variant as pathogenic. Based on the evidence outlined above, the variant was classified as pathogenic.

Literature cited by the submitters: PubMed 20036901; PubMed 10407857; PubMed 20031633; PubMed 9619643; PubMed 9470882.

NC_000023.11:g.(31729749_31773959)_(31836820_31875187)del

Gene: DMD (dystrophin; minus strand). Cytogenetic location: Xp21.1.
Variant type: Deletion.
Identifiers: ClinVar variation 981994 (VCV000981994.3).